The following is an entry in ClinVar:

ClinVar aggregate classification (germline): Uncertain significance (1 of 4 stars; one submission).

Conditions:
Birt-Hogg-Dube syndrome. Also called: Birt Hogg Dubé syndrome. Identifiers: Orphanet 122, MedGen C0346010, MONDO:0800444.

Allele frequency attached by ClinVar (database versions not stated): gnomAD exomes below 0.00001.
gnomAD v4.1: 1 of 1,614,184 alleles (0.000062%); highest among the groups gnomAD compares: South Asian, 0.0011%; no homozygotes.

Submission:

Labcorp Genetics (formerly Invitae), Labcorp
Classification: Uncertain significance for Birt-Hogg-Dube syndrome. Last evaluated: 2022-08-07. Review status: criteria provided, single submitter. Criteria: Invitae Variant Classification Sherloc (09022015). Collection method: clinical testing. Allele origin: germline.
Comment: In summary, the available evidence is currently insufficient to determine the role of this variant in disease. Therefore, it has been classified as a Variant of Uncertain Significance. Algorithms developed to predict the effect of missense changes on protein structure and function (SIFT, PolyPhen-2, Align-GVGD) all suggest that this variant is likely to be tolerated. This variant has not been reported in the literature in individuals affected with FLCN-related conditions. This variant is not present in population databases (gnomAD no frequency). This sequence change replaces glutamine, which is neutral and polar, with glutamic acid, which is acidic and polar, at codon 458 of the FLCN protein (p.Gln458Glu).

NM_144997.7(FLCN):c.1372C>G (p.Gln458Glu)

Gene: FLCN (folliculin; minus strand). Cytogenetic location: 17p11.2.
Variant type: single nucleotide variant.
Coding change: c.1372C>G on transcript NM_144997.7 (MANE Select); coding-DNA position 1372, C replaced by G.
Protein change: p.Gln458Glu; replaces glutamine 458 with glutamic acid.
Molecular consequence: missense variant.
Genome position (GRCh38, 1-based): chr17:17,215,245, G>C on the plus strand (C>G on the coding strand, the complement: FLCN is on the minus strand). VCF-style: chr17-17215245-G-C. GRCh37 (hg19) VCF-style: chr17-17118559-G-C.
Other names: c.1426C>G, p.Gln476Glu (NM_001353229.2); c.1372C>G, p.Gln458Glu (NM_001353230.2, NM_001353231.2); short protein forms Q458E, Q476E.
Identifiers: ClinVar variation 1715435 (VCV001715435.6), dbSNP rs2544146640, ClinGen allele CA398531307.